The following is an entry in ClinVar:

NM_016363.5(GP6):c.438C>G (p.Tyr146Ter)

Gene: GP6 (glycoprotein VI platelet; minus strand). Cytogenetic location: 19q13.42.
Variant type: single nucleotide variant.
Coding change: c.438C>G on transcript NM_016363.5 (MANE Select); coding-DNA position 438, C replaced by G.
Protein change: p.Tyr146Ter; replaces tyrosine 146 with a stop codon.
Molecular consequence: nonsense.
Genome position (GRCh38, 1-based): chr19:55,027,750, G>C on the plus strand (C>G on the coding strand, the complement: GP6 is on the minus strand). VCF-style: chr19-55027750-G-C. GRCh37 (hg19) VCF-style: chr19-55539118-G-C.
Other names: c.438C>G, p.Tyr146Ter (NM_001083899.2, NM_001256017.2); short protein forms Y146*.
Identifiers: ClinVar variation 3697091 (VCV003697091.2).
Genomic context (GRCh38, chr19:55,027,750, plus strand): 5'-GGGAAAACTAGCCCTGTACCATCTCTCGGGATTCTTGTAGGGCGCAGGGTCCCCTTCCTT[G>C]TACAGAGCAAATTGGTCAAAGCCATACCGAGTCTGACACTGTAGGGTTACGTCCCCTCCT-3'

ClinVar aggregate classification (germline): Pathogenic (1 of 4 stars; one submission).

Submission:

Labcorp Genetics (formerly Invitae), Labcorp
Classification: Pathogenic. Last evaluated: 2024-09-26. Review status: criteria provided, single submitter. Criteria: Invitae Variant Classification Sherloc (09022015). Collection method: clinical testing. Allele origin: germline.
Comment: This sequence change creates a premature translational stop signal (p.Tyr146*) in the GP6 gene. It is expected to result in an absent or disrupted protein product. Loss-of-function variants in GP6 are known to be pathogenic (PMID: 16139873, 23815599). This variant is present in population databases (rs749433788, gnomAD 0.003%). This variant has not been reported in the literature in individuals affected with GP6-related conditions. For these reasons, this variant has been classified as Pathogenic.

Literature cited by the submitters: PubMed 16139873; PubMed 23815599.